The following is an entry in ClinVar:

NM_007194.4(CHEK2):c.371G>T (p.Cys124Phe)

Gene: CHEK2 (checkpoint kinase 2; minus strand). Cytogenetic location: 22q12.1.
Variant type: single nucleotide variant.
Coding change: c.371G>T on transcript NM_007194.4 (MANE Select); coding-DNA position 371, G replaced by T.
Protein change: p.Cys124Phe; replaces cysteine 124 with phenylalanine.
Molecular consequence: missense variant.
Genome position (GRCh38, 1-based): chr22:28,725,316, C>A on the plus strand (G>T on the coding strand, the complement: CHEK2 is on the minus strand). VCF-style: chr22-28725316-C-A. GRCh37 (hg19) VCF-style: chr22-29121304-C-A.
Other names: c.500G>T, p.Cys167Phe (NM_001005735.3); c.-407G>T (NM_001257387.3); c.371G>T, p.Cys124Phe (NM_001349956.3, NM_145862.3); short protein forms C124F, C167F.
Identifiers: ClinVar variation 234515 (VCV000234515.4), dbSNP rs754768271, ClinGen allele CA10577645.
Genomic context (GRCh38, chr22:28,725,316, plus strand): 5'-AAGTGTTTCTTGCTGTATGTTCGGTATTTATCTGTTCTTTTCAGCAGTGGTTCATCAAAG[C>A]AATATTCACAGCTTTTGTCCCTCCCAAACCAGTAGTTGTCATTCACACATTCTGTAATAT-3'
Protein context (NP_009125.1, residues 114-134): WFGRDKSCEY[Cys124Phe]FDEPLLKRTD

ClinVar aggregate classification (germline): Uncertain significance. Review status: criteria provided, multiple submitters, no conflicts (2 of 4 stars). 2 submissions from 2 submitters: Uncertain significance (2). Last evaluated 2024-10-15.

Conditions:
Familial cancer of breast. Also called: BREAST CANCER, FAMILIAL; hereditary breast carcinoma; Hereditary breast cancer. Identifiers: Orphanet 227535, MedGen C0346153, MONDO:0016419, OMIM 114480. Disease mechanism: loss of function.

Submissions (2):

Labcorp Genetics (formerly Invitae), Labcorp
Classification: Uncertain significance for Familial cancer of breast. Last evaluated: 2024-10-15. Review status: criteria provided, single submitter. Criteria: Invitae Variant Classification Sherloc (09022015). Collection method: clinical testing. Allele origin: germline.
Comment: This sequence change replaces cysteine, which is neutral and slightly polar, with phenylalanine, which is neutral and non-polar, at codon 124 of the CHEK2 protein (p.Cys124Phe). This variant is not present in population databases (gnomAD no frequency). This variant has not been reported in the literature in individuals affected with CHEK2-related conditions. ClinVar contains an entry for this variant (Variation ID: 234515). An algorithm developed to predict the effect of missense changes on protein structure and function (PolyPhen-2) suggests that this variant is likely to be disruptive. In summary, the available evidence is currently insufficient to determine the role of this variant in disease. Therefore, it has been classified as a Variant of Uncertain Significance.

GeneDx
Classification: Uncertain significance. Last evaluated: 2015-08-12. Review status: criteria provided, single submitter. Criteria: GeneDx Variant Classification (06012015). Collection method: clinical testing. Allele origin: germline. Affected: yes.
Comment: This variant is denoted CHEK2 c.371G>T at the cDNA level, p.Cys124Phe (C124F) at the protein level, and results in the change of a Cysteine to a Phenylalanine (TGC>TTC) in exon 3. This variant has not, to our knowledge, been published in the literature as either a mutation or a benign polymorphism. CHEK2 Cys124Phe was not observed in approximately 6,500 individuals of European and African American ancestry in the NHLBI Exome Sequencing Project, indicating it is not a common benign variant in these populations. Since Cysteine and Phenylalanine differ in polarity, charge, size or other properties, this is considered a non-conservative amino acid substitution. CHEK2 Cys124Phe occurs at a position that is not conserved and is located in the FHA domain (Desrichard 2011, Roeb 2012). In silico analyses are inconsistent regarding the effect this variant may have on protein structure and function. Based on currently available information, it is unclear whether CHEK2 Cys124Phe is a pathogenic mutation or a benign variant.